The following is an entry in ClinVar:

ClinVar aggregate classification (germline): Uncertain significance. Review status: criteria provided, single submitter (1 of 4 stars). 2 submissions from 2 submitters: Uncertain significance (1). 1 of the submissions does not count toward it. Last evaluated 2021-08-26.

Conditions:
Familial dysautonomia. Also called: FD; HSAN III. Identifiers: Orphanet 1764, MedGen C0013364, MONDO:0009131, OMIM 223900. Disease mechanism: loss of function.

Allele frequency attached by ClinVar (database versions not stated): TOPMed below 0.00001; gnomAD exomes 0.00001.
gnomAD v4.1: 7 of 1,614,084 alleles (0.00043%); highest among the groups gnomAD compares: Non-Finnish European, 0.00059%; no homozygotes.

Submissions (2):

Labcorp Genetics (formerly Invitae), Labcorp
Classification: Uncertain significance. Last evaluated: 2021-08-26. Review status: criteria provided, single submitter. Criteria: Invitae Variant Classification Sherloc (09022015). Collection method: clinical testing. Allele origin: germline.
Comment: This sequence change replaces glycine with glutamic acid at codon 172 of the ELP1 protein (p.Gly172Glu). The glycine residue is highly conserved and there is a moderate physicochemical difference between glycine and glutamic acid. This variant is not present in population databases (ExAC no frequency). This variant has not been reported in the literature in individuals affected with ELP1-related conditions. Algorithms developed to predict the effect of missense changes on protein structure and function are either unavailable or do not agree on the potential impact of this missense change (SIFT: "Deleterious"; PolyPhen-2: "Probably Damaging"; Align-GVGD: "Class C0"). In summary, the available evidence is currently insufficient to determine the role of this variant in disease. Therefore, it has been classified as a Variant of Uncertain Significance.

Natera, Inc.
Classification: Uncertain significance for Familial dysautonomia. Last evaluated: 2020-04-14. Review status: no assertion criteria provided. Collection method: clinical testing. Allele origin: germline. Not counted in ClinVar's aggregate classification.

NM_003640.5(ELP1):c.515G>A (p.Gly172Glu)

Gene: ELP1 (elongator acetyltransferase complex subunit 1; minus strand). Cytogenetic location: 9q31.3.
Variant type: single nucleotide variant.
Coding change: c.515G>A on transcript NM_003640.5 (MANE Select); coding-DNA position 515, G replaced by A.
Protein change: p.Gly172Glu; replaces glycine 172 with glutamic acid.
Molecular consequence: missense variant. On other transcripts: 5 prime UTR variant (1).
Genome position (GRCh38, 1-based): chr9:108,922,879, C>T on the plus strand (G>A on the coding strand, the complement: ELP1 is on the minus strand). VCF-style: chr9-108922879-C-T. GRCh37 (hg19) VCF-style: chr9-111685159-C-T.
Other names: c.173G>A, p.Gly58Glu (NM_001318360.2); c.-345G>A (NM_001330749.2); short protein forms G58E, G172E.
Identifiers: ClinVar variation 952578 (VCV000952578.8), dbSNP rs1829697305, ClinGen allele CA374389309.